The following is an entry in ClinVar:

NM_014915.3(ANKRD26):c.104A>T (p.Tyr35Phe)

Genes: ANKRD26 (ankyrin repeat domain 26; minus strand), LOC130003554 (ATAC-STARR-seq lymphoblastoid silent region 2243; plus strand). Cytogenetic location: 10p12.1.
Variant type: single nucleotide variant.
Coding change: c.104A>T on transcript NM_014915.3 (MANE Select); coding-DNA position 104, A replaced by T.
Protein change: p.Tyr35Phe; replaces tyrosine 35 with phenylalanine.
Molecular consequence: missense variant.
Genome position (GRCh38, 1-based): chr10:27,100,223, T>A on the plus strand (A>T on the coding strand, the complement: ANKRD26 is on the minus strand). VCF-style: chr10-27100223-T-A. GRCh37 (hg19) VCF-style: chr10-27389152-T-A.
Other names: c.104A>T, p.Tyr35Phe (NM_001256053.2); short protein forms Y35F.
Identifiers: ClinVar variation 2578185 (VCV002578185.5), dbSNP rs1169411731, ClinGen allele CA376369814.

ClinVar aggregate classification (germline): Uncertain significance. Review status: criteria provided, multiple submitters, no conflicts (2 of 4 stars). 3 submissions from 3 submitters: Uncertain significance (3). Last evaluated 2025-08-22.

Conditions:
Inborn genetic diseases. Identifiers: MedGen C0950123, MeSH D030342.

Submissions (3):

Ambry Genetics
Classification: Uncertain significance for Inborn genetic diseases. Last evaluated: 2025-08-22. Review status: criteria provided, single submitter. Criteria: Ambry Variant Classification Scheme 2023. Collection method: clinical testing. Allele origin: germline.
Comment: The p.Y35F variant (also known as c.104A>T), located in coding exon 1 of the ANKRD26 gene, results from an A to T substitution at nucleotide position 104. The tyrosine at codon 35 is replaced by phenylalanine, an amino acid with highly similar properties. This amino acid position is conserved. In addition, this alteration is predicted to be tolerated by in silico analysis. Based on the available evidence, the clinical significance of this variant remains unclear.

Labcorp Genetics (formerly Invitae), Labcorp
Classification: Uncertain significance. Last evaluated: 2025-08-12. Review status: criteria provided, single submitter. Criteria: Invitae Variant Classification Sherloc (09022015). Collection method: clinical testing. Allele origin: germline.
Comment: This sequence change replaces tyrosine, which is neutral and polar, with phenylalanine, which is neutral and non-polar, at codon 35 of the ANKRD26 protein (p.Tyr35Phe). This variant is not present in population databases (gnomAD no frequency). This variant has not been reported in the literature in individuals affected with ANKRD26-related conditions. ClinVar contains an entry for this variant (Variation ID: 2578185). An algorithm developed to predict the effect of missense changes on protein structure and function (PolyPhen-2) suggests that this variant is likely to be tolerated. In summary, the available evidence is currently insufficient to determine the role of this variant in disease. Therefore, it has been classified as a Variant of Uncertain Significance.

GeneDx
Classification: Uncertain significance. Last evaluated: 2023-03-02. Review status: criteria provided, single submitter. Criteria: GeneDx Variant Classification Process June 2021. Collection method: clinical testing. Allele origin: germline. Affected: yes.
Comment: Not observed at significant frequency in large population cohorts (gnomAD); In silico analysis supports that this missense variant does not alter protein structure/function; Has not been previously published as pathogenic or benign to our knowledge